The following is an entry in ClinVar:

NM_001458.5(FLNC):c.4690A>G (p.Ile1564Val)

Gene: FLNC (filamin C; plus strand). Cytogenetic location: 7q32.1.
Variant type: single nucleotide variant.
Coding change: c.4690A>G on transcript NM_001458.5 (MANE Select); coding-DNA position 4690, A replaced by G.
Protein change: p.Ile1564Val; replaces isoleucine 1564 with valine.
Molecular consequence: missense variant.
Genome position (GRCh38, 1-based): chr7:128,848,670, A>G. VCF-style: chr7-128848670-A-G. GRCh37 (hg19) VCF-style: chr7-128488724-A-G.
Other names: c.4690A>G, p.Ile1564Val (NM_001127487.2); short protein forms I1564V.
Identifiers: ClinVar variation 3752196 (VCV003752196.2).
Genomic context (GRCh38, chr7:128,848,670, plus strand): 5'-GCCAGCGGCCCAGGCCTCAACGCCTCTGGCATCCCTGCCAGCCTGCCTGTGGAGTTCACC[A>G]TCGACGCACGGGACGCGGGCGAGGGGTTGCTCACTGTCCAGATCTTGGTGAGTCTCTGTG-3'
Protein context (NP_001449.3, residues 1554-1574): IPASLPVEFT[Ile1564Val]DARDAGEGLL

ClinVar aggregate classification (germline): Uncertain significance (1 of 4 stars; one submission).

Conditions:
Distal myopathy with posterior leg and anterior hand involvement. Also called: WILLIAMS DISTAL MYOPATHY. Identifiers: Orphanet 63273, MedGen C3279722, MONDO:0013550, OMIM 614065.
Hypertrophic cardiomyopathy 26. Also called: Cardiomyopathy, familial hypertrophic, 26. Identifiers: Orphanet 75249, MedGen C4310749, MONDO:0014883, OMIM 617047.
Myofibrillar myopathy 5. Also called: Filaminopathy (type); FILAMINOPATHY, AUTOSOMAL DOMINANT. Identifiers: Orphanet 171445, MedGen C1836050, MONDO:0012289, OMIM 609524.

gnomAD v4.1: 2 of 1,613,478 alleles (0.00012%); highest among the groups gnomAD compares: Non-Finnish European, 0.000085%; no homozygotes.

Submission:

Labcorp Genetics (formerly Invitae), Labcorp
Classification: Uncertain significance for Distal myopathy with posterior leg and anterior hand involvement; Myofibrillar myopathy 5; Hypertrophic cardiomyopathy 26. Last evaluated: 2024-09-21. Review status: criteria provided, single submitter. Criteria: Invitae Variant Classification Sherloc (09022015). Collection method: clinical testing. Allele origin: germline.
Comment: This sequence change replaces isoleucine, which is neutral and non-polar, with valine, which is neutral and non-polar, at codon 1564 of the FLNC protein (p.Ile1564Val). This variant is not present in population databases (gnomAD no frequency). This variant has not been reported in the literature in individuals affected with FLNC-related conditions. Invitae Evidence Modeling of protein sequence and biophysical properties (such as structural, functional, and spatial information, amino acid conservation, physicochemical variation, residue mobility, and thermodynamic stability) has been performed for this missense variant. However, the output from this modeling did not meet the statistical confidence thresholds required to predict the impact of this variant on FLNC protein function. In summary, the available evidence is currently insufficient to determine the role of this variant in disease. Therefore, it has been classified as a Variant of Uncertain Significance.